The following is an entry in ClinVar:

NM_031263.4(HNRNPK):c.263T>C (p.Leu88Ser)

Genes: HNRNPK (heterogeneous nuclear ribonucleoprotein K; minus strand), HNRNPK-AS1 (HNRNPK antisense RNA 1; plus strand). Cytogenetic location: 9q21.32.
Variant type: single nucleotide variant.
Coding change: c.263T>C on transcript NM_031263.4 (MANE Select); coding-DNA position 263, T replaced by C.
Protein change: p.Leu88Ser; replaces leucine 88 with serine.
Molecular consequence: missense variant.
Genome position (GRCh38, 1-based): chr9:83,974,584, A>G on the plus strand (T>C on the coding strand, the complement: HNRNPK is on the minus strand). VCF-style: chr9-83974584-A-G. GRCh37 (hg19) VCF-style: chr9-86589499-A-G.
Other names: c.263T>C, p.Leu88Ser (NM_001318186.2, NM_001318187.2, NM_001318188.2 and 2 more transcripts); short protein forms L88S.
Identifiers: ClinVar variation 4846810 (VCV004846810.1).

ClinVar aggregate classification (germline): Uncertain significance (1 of 4 stars; one submission).

Conditions:
Au-Kline syndrome. Also called: Neurodevelopmental disorder-craniofacial dysmorphism-cardiac defect-hip dysplasia syndrome due to a point mutation; Okamoto syndrome. Identifiers: Orphanet 2729, Orphanet 453499, Orphanet 453504, MedGen C4225274, MONDO:0014700, OMIM 616580.

Submission:

Laboratorio de Genetica e Diagnostico Molecular, Hospital Israelita Albert Einstein
Classification: Uncertain significance for Au-Kline syndrome. Last evaluated: 2024-06-11. Review status: criteria provided, single submitter. Criteria: ACMG Guidelines, 2015. Collection method: clinical testing. Allele origin: germline. Affected: yes.
Comment: ACMG classification criteria: PM2 supporting, PP2 supporting, PP3 supporting